The following is an entry in ClinVar:

NM_001277115.2(DNAH11):c.6842C>A (p.Thr2281Asn)

Gene: DNAH11 (dynein axonemal heavy chain 11; plus strand). Cytogenetic location: 7p15.3.
Variant type: single nucleotide variant.
Coding change: c.6842C>A on transcript NM_001277115.2 (MANE Select); coding-DNA position 6842, C replaced by A.
Protein change: p.Thr2281Asn; replaces threonine 2281 with asparagine.
Molecular consequence: missense variant.
Genome position (GRCh38, 1-based): chr7:21,711,719, C>A. VCF-style: chr7-21711719-C-A. GRCh37 (hg19) VCF-style: chr7-21751337-C-A.
Other names: short protein forms T2281N.
Identifiers: ClinVar variation 359648 (VCV000359648.7), dbSNP rs886062179, ClinGen allele CA10628716.

ClinVar aggregate classification (germline): Uncertain significance (1 of 4 stars; one submission).

Conditions:
Primary ciliary dyskinesia. Also called: Ciliary dyskinesia. Identifiers: Orphanet 244, MedGen C0008780, MONDO:0016575, HP:0012265.

Allele frequency attached by ClinVar (database versions not stated): gnomAD exomes below 0.00001 and 0.00002; gnomAD 0.00001; TOPMed 0.00001.

Submission:

Labcorp Genetics (formerly Invitae), Labcorp
Classification: Uncertain significance for Primary ciliary dyskinesia. Last evaluated: 2022-04-12. Review status: criteria provided, single submitter. Criteria: Invitae Variant Classification Sherloc (09022015). Collection method: clinical testing. Allele origin: germline.
Comment: This sequence change replaces threonine, which is neutral and polar, with asparagine, which is neutral and polar, at codon 2281 of the DNAH11 protein (p.Thr2281Asn). This variant is present in population databases (no rsID available, gnomAD 0.003%). This variant has not been reported in the literature in individuals affected with DNAH11-related conditions. ClinVar contains an entry for this variant (Variation ID: 359648). Algorithms developed to predict the effect of missense changes on protein structure and function are either unavailable or do not agree on the potential impact of this missense change (SIFT: "Not Available"; PolyPhen-2: "Probably Damaging"; Align-GVGD: "Not Available"). In summary, the available evidence is currently insufficient to determine the role of this variant in disease. Therefore, it has been classified as a Variant of Uncertain Significance.